The following is an entry in ClinVar:

ClinVar aggregate classification (germline): Uncertain significance (1 of 4 stars; one submission).

Submission:

GeneDx
Classification: Uncertain significance. Last evaluated: 2026-01-22. Review status: criteria provided, single submitter. Criteria: GeneDx Variant Classification Process June 2021. Collection method: clinical testing. Allele origin: germline.
Comment: Not observed at significant frequency in large population cohorts (gnomAD); In silico analysis supports that this missense variant has a deleterious effect on protein structure/function; Has not been previously published as pathogenic or benign to our knowledge

NM_018489.3(ASH1L):c.410C>T (p.Pro137Leu)

Gene: ASH1L (ASH1 like histone lysine methyltransferase; minus strand). Cytogenetic location: 1q22.
Variant type: single nucleotide variant.
Coding change: c.410C>T on transcript NM_018489.3 (MANE Select); coding-DNA position 410, C replaced by T.
Protein change: p.Pro137Leu; replaces proline 137 with leucine.
Molecular consequence: missense variant.
Genome position (GRCh38, 1-based): chr1:155,521,110, G>A on the plus strand (C>T on the coding strand, the complement: ASH1L is on the minus strand). VCF-style: chr1-155521110-G-A. GRCh37 (hg19) VCF-style: chr1-155490901-G-A.
Other names: c.410C>T, p.Pro137Leu (NM_001366177.2); short protein forms P137L.
Identifiers: ClinVar variation 4975483 (VCV004975483.1).